The following is an entry in ClinVar:

ClinVar aggregate classification (germline): Pathogenic/Likely pathogenic. Review status: criteria provided, multiple submitters, no conflicts (2 of 4 stars). 2 submissions from 2 submitters: Pathogenic (1); Likely pathogenic (1). Last evaluated 2023-11-27.

Conditions:
RP1-related disorder. Also called: RP1-related condition.

Allele frequency attached by ClinVar (database versions not stated): gnomAD 0.00001.

Submissions (2):

Labcorp Genetics (formerly Invitae), Labcorp
Classification: Pathogenic. Last evaluated: 2023-11-27. Review status: criteria provided, single submitter. Criteria: Invitae Variant Classification Sherloc (09022015). Collection method: clinical testing. Allele origin: germline.
Comment: This sequence change creates a premature translational stop signal (p.Gln482*) in the RP1 gene. While this is not anticipated to result in nonsense mediated decay, it is expected to disrupt the last 1675 amino acid(s) of the RP1 protein. This variant is present in population databases (no rsID available, gnomAD 0.01%). This premature translational stop signal has been observed in individual(s) with autosomal recessive retinitis pigmentosa (Invitae). In at least one individual the data is consistent with being in trans (on the opposite chromosome) from a pathogenic variant. ClinVar contains an entry for this variant (Variation ID: 1358934). This variant disrupts the C-terminus of the RP1 protein. Many variants that disrupt this region have been reported in individuals with either autosomal dominant or autosomal recessive retinitis pigmentosa (PMID: 11527933, 19933189, 29425069, 30027431, 33681214). Therefore, variants that disrupt this region are expected to be disease-causing. For these reasons, this variant has been classified as Pathogenic.

Blueprint Genetics
Classification: Likely pathogenic for RP1-related disorders. Last evaluated: 2019-11-06. Review status: criteria provided, single submitter. Criteria: ACMG Guidelines, 2015. Collection method: clinical testing. Allele origin: germline. Affected: yes. Observed: 1 variant allele.

Literature cited by the submitters: PubMed 11527933 (cited by Labcorp Genetics (formerly Invitae), Labcorp); PubMed 19933189 (cited by Labcorp Genetics (formerly Invitae), Labcorp); PubMed 29425069 (cited by Labcorp Genetics (formerly Invitae), Labcorp); PubMed 30027431 (cited by Labcorp Genetics (formerly Invitae), Labcorp); PubMed 33681214 (cited by Labcorp Genetics (formerly Invitae), Labcorp).

NM_006269.2(RP1):c.1444C>T (p.Gln482Ter)

Gene: RP1 (RP1 axonemal microtubule associated; plus strand). Cytogenetic location: 8q12.1.
Variant type: single nucleotide variant.
Coding change: c.1444C>T on transcript NM_006269.2 (MANE Select); coding-DNA position 1444, C replaced by T.
Protein change: p.Gln482Ter; replaces glutamine 482 with a stop codon.
Molecular consequence: nonsense. On other transcripts: intron variant (1).
Genome position (GRCh38, 1-based): chr8:54,625,326, C>T. VCF-style: chr8-54625326-C-T. GRCh37 (hg19) VCF-style: chr8-55537886-C-T.
Other names: c.787+3038C>T (NM_001375654.1); short protein forms Q482*.
Identifiers: ClinVar variation 1358934 (VCV001358934.7), dbSNP rs1157925654, ClinGen allele CA370990369.